The following is an entry in ClinVar:

NM_000021.4(PSEN1):c.238A>C (p.Lys80Gln)

Gene: PSEN1 (presenilin 1; plus strand). Cytogenetic location: 14q24.2.
Variant type: single nucleotide variant.
Coding change: c.238A>C on transcript NM_000021.4 (MANE Select); coding-DNA position 238, A replaced by C.
Protein change: p.Lys80Gln; replaces lysine 80 with glutamine.
Molecular consequence: missense variant.
Genome position (GRCh38, 1-based): chr14:73,170,947, A>C. VCF-style: chr14-73170947-A-C. GRCh37 (hg19) VCF-style: chr14-73637655-A-C.
Other names: c.226A>C, p.Lys76Gln (NM_007318.3); short protein forms K76Q, K80Q.
Identifiers: ClinVar variation 4849952 (VCV004849952.1).
Genomic context (GRCh38, chr14:73,170,947, plus strand): 5'-CGGCAGGTGGTGGAGCAAGATGAGGAAGAAGATGAGGAGCTGACATTGAAATATGGCGCC[A>C]AGCATGTGATCATGCTCTTTGTCCCTGTGACTCTCTGCATGGTGGTGGTCGTGGCTACCA-3'
Protein context (NP_000012.1, residues 70-90): DEELTLKYGA[Lys80Gln]HVIMLFVPVT

ClinVar aggregate classification (germline): Pathogenic (0 of 4 stars; one submission).

Conditions:
Alzheimer disease 3 (AD3). Also called: ALZHEIMER DISEASE, FAMILIAL, 3. Identifiers: Orphanet 1020, MedGen C1843013, MONDO:0011913, OMIM 607822.

Submission:

Medical Genetics Unit, Mauro Baschirotto Institute for Rare Disease
Classification: Pathogenic for Alzheimer disease 3. Last evaluated: 2026-04-20. Review status: no assertion criteria provided. Collection method: clinical testing. Allele origin: germline. Affected: yes. Observed: 1 variant allele.
Comment: This variant was interpreted by the AD-FTD Italian Consortium, including the following participating institutions: Mauro Baschirotto Institute for Rare Disease, Medical Genetics Unit (Dr Paola de Gemmis, Dr Daniela Segat, Dr Chiara Stefani); Neurology Unit, Department of Biomedicine, Neurosciences and Advanced Diagnostics, University of Palermo, Italy (Dr Tommaso Piccoli); Neurology Unit, Santa Maria della Misericordia Hospital, Perugia, Italy (Dr Lorenzo Gaetani). The participating laboratories jointly contributed to patient recruitment, clinical data collection, and variant interpretation and classification. The variant c.238A>C results in the amino acid substitution of lysine to glutammine at codon 80 of the PSEN1 protein. This is a missense change between a basic polar amino acid and a neutral polar one. It is located in exon 4 of the gene, with no available frequency in gnomAD population database. This variant is non-truncating and non-synonymous and is located in exon 4 mutational hot spot. These observations support a pathogenic role (18 pathogenic or likely pathogenic reported variants were found in a 235bp region surrounding this variant in exon 4 within the region 73170812-73171047 without any missense benign variants). Moreover, PSEN1 is a gene with a low rate of benign missense mutations and for which missense mutation is a common mechanism of disease. Computational prediction tools unanimously support a deleterious effect on the gene. SIFT prediction (uncertain (0.003), FATHMM prediction (Deleterious moderate, score 6.16), CADD score 24.5 and REVEL score 0.814. Codon 80 is located in the N-terminal region of PSEN1 that plays a crucial role in substrates catalysis of the γ-secretase complex. Taken together all of these data suggest a pathogenic classification for this variant.